The following is an entry in ClinVar:

ClinVar aggregate classification (germline): Uncertain significance (1 of 4 stars; one submission).

gnomAD v4.1: 31 of 1,613,732 alleles (0.0019%); highest among the groups gnomAD compares: Non-Finnish European, 0.0025%; no homozygotes.

Submission:

Labcorp Genetics (formerly Invitae), Labcorp
Classification: Uncertain significance. Last evaluated: 2024-05-21. Review status: criteria provided, single submitter. Criteria: Invitae Variant Classification Sherloc (09022015). Collection method: clinical testing. Allele origin: germline.
Comment: This sequence change replaces proline, which is neutral and non-polar, with threonine, which is neutral and polar, at codon 296 of the FLNB protein (p.Pro296Thr). This variant is present in population databases (no rsID available, gnomAD 0.007%). This variant has not been reported in the literature in individuals affected with FLNB-related conditions. Advanced modeling of protein sequence and biophysical properties (such as structural, functional, and spatial information, amino acid conservation, physicochemical variation, residue mobility, and thermodynamic stability) performed at Invitae indicates that this missense variant is not expected to disrupt FLNB protein function with a negative predictive value of 95%. In summary, the available evidence is currently insufficient to determine the role of this variant in disease. Therefore, it has been classified as a Variant of Uncertain Significance.

NM_001457.4(FLNB):c.886C>A (p.Pro296Thr)

Gene: FLNB (filamin B; plus strand). Cytogenetic location: 3p14.3.
Variant type: single nucleotide variant.
Coding change: c.886C>A on transcript NM_001457.4 (MANE Select); coding-DNA position 886, C replaced by A.
Protein change: p.Pro296Thr; replaces proline 296 with threonine.
Molecular consequence: missense variant.
Genome position (GRCh38, 1-based): chr3:58,094,934, C>A. VCF-style: chr3-58094934-C-A. GRCh37 (hg19) VCF-style: chr3-58080661-C-A.
Other names: c.886C>A, p.Pro296Thr (NM_001164317.2, NM_001164318.2, NM_001164319.2); short protein forms P296T.
Identifiers: ClinVar variation 3623460 (VCV003623460.2).
Genomic context (GRCh38, chr3:58,094,934, plus strand): 5'-AAGTTCACTGTGGACACCATCAGCGCCGGGCAAGGAGACGTGATGGTGTTTGTTGAGGAC[C>A]CAGAAGGGAACAAAGAGGAGGTATGTTGGAGGATGCTGCCTCTCCTTTCCAGCACCTCAT-3'
Protein context (NP_001448.2, residues 286-306): QGDVMVFVED[Pro296Thr]EGNKEEAQVT